The following is an entry in ClinVar:

NM_001134831.2(AHI1):c.2277G>T (p.Met759Ile)

Gene: AHI1 (Abelson helper integration site 1; minus strand). Cytogenetic location: 6q23.3.
Variant type: single nucleotide variant.
Coding change: c.2277G>T on transcript NM_001134831.2 (MANE Select); coding-DNA position 2277, G replaced by T.
Protein change: p.Met759Ile; replaces methionine 759 with isoleucine.
Molecular consequence: missense variant.
Genome position (GRCh38, 1-based): chr6:135,431,304, C>A on the plus strand (G>T on the coding strand, the complement: AHI1 is on the minus strand). VCF-style: chr6-135431304-C-A. GRCh37 (hg19) VCF-style: chr6-135752442-C-A.
Other names: c.2277G>T, p.Met759Ile (NM_001134830.2, NM_001134832.2, NM_001350503.2 and 2 more transcripts); short protein forms M759I.
Identifiers: ClinVar variation 4852389 (VCV004852389.1).

ClinVar aggregate classification (germline): Uncertain significance (1 of 4 stars; one submission).

Conditions:
Joubert syndrome 3 (JBTS3). Also called: AHI1-related Ciliopathy. Identifiers: Orphanet 220493, MedGen C1837713, MONDO:0012078, OMIM 608629.

Submission:

MVZ Medizinische Genetik Mainz
Classification: Uncertain significance for Joubert syndrome 3. Last evaluated: 2026-04-30. Review status: criteria provided, single submitter. Criteria: UK Practice Guidelines For Variant Classification V4 01 2020. Collection method: clinical testing. Allele origin: germline. Inheritance: Autosomal recessive inheritance. Affected: yes. Observed: 1 variant allele.
Comment: ACMG Criteria: PM3,PM2_SUP,BP4; Compound Heterozygote